The following is an entry in ClinVar:

NM_000361.3(THBD):c.851C>G (p.Ala284Gly)

Gene: THBD (thrombomodulin; minus strand). Cytogenetic location: 20p11.21.
Variant type: single nucleotide variant.
Coding change: c.851C>G on transcript NM_000361.3 (MANE Select); coding-DNA position 851, C replaced by G.
Protein change: p.Ala284Gly; replaces alanine 284 with glycine.
Molecular consequence: missense variant.
Genome position (GRCh38, 1-based): chr20:23,048,654, G>C on the plus strand (C>G on the coding strand, the complement: THBD is on the minus strand). VCF-style: chr20-23048654-G-C. GRCh37 (hg19) VCF-style: chr20-23029291-G-C.
Other names: short protein forms A284G.
Identifiers: ClinVar variation 1975229 (VCV001975229.6), dbSNP rs1239567703, ClinGen allele CA408406814.
Genomic context (GRCh38, chr20:23,048,654, plus strand): 5'-CCCGGCTGGTCGGGGTTGGGAACGCAGAAGTGCTCGCAGAGGTCGTTGCAGGACTGCGTC[G>C]CGGATGCGGTGCAGGAGCGCCCGTCTGCCTGCAGGGCGGCGCCGGCTGGGCACTGGCAGC-3'
Protein context (NP_000352.1, residues 274-294): QADGRSCTAS[Ala284Gly]TQSCNDLCEH

ClinVar aggregate classification (germline): Uncertain significance. Review status: criteria provided, multiple submitters, no conflicts (2 of 4 stars). 2 submissions from 2 submitters: Uncertain significance (2). Last evaluated 2024-06-12.

Conditions:
Thrombomodulin-related bleeding disorder (THPH12). Also called: Thrombophilia due to thrombomodulin defect. Identifiers: Orphanet 436169, MedGen C3280976, MONDO:0013775, OMIM 614486.
Atypical hemolytic-uremic syndrome with thrombomodulin anomaly. Also called: HEMOLYTIC UREMIC SYNDROME, ATYPICAL, SUSCEPTIBILITY TO, 6; AHUS, SUSCEPTIBILITY TO, 6. Identifiers: MedGen C2752036, MONDO:0013044, OMIM 612926. Disease mechanism: gain of function.

Allele frequency attached by ClinVar (database versions not stated): TOPMed below 0.00001.
gnomAD v4.1: 1 of 1,593,342 alleles (0.000063%); highest among the groups gnomAD compares: Non-Finnish European, 0.000085%; no homozygotes.

Submissions (2):

Fulgent Genetics
Classification: Uncertain significance for Atypical hemolytic-uremic syndrome with thrombomodulin anomaly; Thrombomodulin-related bleeding disorder. Last evaluated: 2024-06-12. Review status: criteria provided, single submitter. Criteria: ACMG Guidelines, 2015. Collection method: clinical testing. Allele origin: germline.

Labcorp Genetics (formerly Invitae), Labcorp
Classification: Uncertain significance. Last evaluated: 2022-06-15. Review status: criteria provided, single submitter. Criteria: Invitae Variant Classification Sherloc (09022015). Collection method: clinical testing. Allele origin: germline.
Comment: This sequence change replaces alanine, which is neutral and non-polar, with glycine, which is neutral and non-polar, at codon 284 of the THBD protein (p.Ala284Gly). This variant is present in population databases (no rsID available, gnomAD 0.001%). This variant has not been reported in the literature in individuals affected with THBD-related conditions. Algorithms developed to predict the effect of missense changes on protein structure and function output the following: SIFT: "Tolerated"; PolyPhen-2: "Benign"; Align-GVGD: "Class C0". The glycine amino acid residue is found in multiple mammalian species, which suggests that this missense change does not adversely affect protein function. In summary, the available evidence is currently insufficient to determine the role of this variant in disease. Therefore, it has been classified as a Variant of Uncertain Significance.